The following is an entry in ClinVar:

NM_138691.3(TMC1):c.956C>G (p.Thr319Ser)

Gene: TMC1 (transmembrane channel like 1; plus strand). Cytogenetic location: 9q21.13.
Variant type: single nucleotide variant.
Coding change: c.956C>G on transcript NM_138691.3 (MANE Select); coding-DNA position 956, C replaced by G.
Protein change: p.Thr319Ser; replaces threonine 319 with serine.
Molecular consequence: missense variant.
Genome position (GRCh38, 1-based): chr9:72,788,410, C>G. VCF-style: chr9-72788410-C-G. GRCh37 (hg19) VCF-style: chr9-75403326-C-G.
Other names: c.956C>G (NM_138691.2); short protein forms T319S.
Identifiers: ClinVar variation 287882 (VCV000287882.11), dbSNP rs142629075, ClinGen allele CA5081835.

ClinVar aggregate classification (germline): Uncertain significance. Review status: criteria provided, multiple submitters, no conflicts (2 of 4 stars). 5 submissions from 5 submitters: Uncertain significance (5). Last evaluated 2025-09-18.

Conditions:
Inborn genetic diseases. Identifiers: MedGen C0950123, MeSH D030342.
Autosomal dominant nonsyndromic hearing loss 36. Identifiers: Orphanet 90635, MedGen C1847626, MONDO:0011708, OMIM 606705.
Autosomal recessive nonsyndromic hearing loss 7. Also called: DEAFNESS, AUTOSOMAL RECESSIVE 11. Identifiers: Orphanet 90636, MedGen C1832978, MONDO:0010967, OMIM 600974.
TMC1-related disorder. Also called: TMC1-related condition; TMC1-related disorders.

Allele frequency attached by ClinVar (database versions not stated): gnomAD 0.00004; TOPMed 0.00004; ExAC 0.00005; gnomAD exomes 0.00006; ESP Exome Variant Server 0.00031.
gnomAD v4.1: 96 of 1,613,864 alleles (0.0059%); highest among the groups gnomAD compares: Non-Finnish European, 0.0077%; no homozygotes.

Submissions (5):

PreventionGenetics, part of Exact Sciences
Classification: Uncertain significance for TMC1-related condition. Last evaluated: 2025-09-18. Review status: criteria provided, single submitter. Criteria: ACMG Guidelines, 2015. Collection method: clinical testing. Allele origin: germline.
Comment: The TMC1 c.956C>G variant is predicted to result in the amino acid substitution p.Thr319Ser. To our knowledge, this variant has not been reported in the literature. This variant is reported in 0.011% of alleles in individuals of European (Non-Finnish) descent in gnomAD. At this time, the clinical significance of this variant is uncertain due to the absence of conclusive functional and genetic evidence.

Ambry Genetics
Classification: Uncertain significance for Inborn genetic diseases. Last evaluated: 2025-03-27. Review status: criteria provided, single submitter. Criteria: Ambry Variant Classification Scheme 2023. Collection method: clinical testing. Allele origin: germline.

Labcorp Genetics (formerly Invitae), Labcorp
Classification: Uncertain significance. Last evaluated: 2022-06-16. Review status: criteria provided, single submitter. Criteria: Invitae Variant Classification Sherloc (09022015). Collection method: clinical testing. Allele origin: germline.
Comment: This sequence change replaces threonine, which is neutral and polar, with serine, which is neutral and polar, at codon 319 of the TMC1 protein (p.Thr319Ser). This variant is present in population databases (rs142629075, gnomAD 0.01%). This variant has not been reported in the literature in individuals affected with TMC1-related conditions. ClinVar contains an entry for this variant (Variation ID: 287882). Algorithms developed to predict the effect of missense changes on protein structure and function are either unavailable or do not agree on the potential impact of this missense change (SIFT: "Tolerated"; PolyPhen-2: "Possibly Damaging"; Align-GVGD: "Class C0"). In summary, the available evidence is currently insufficient to determine the role of this variant in disease. Therefore, it has been classified as a Variant of Uncertain Significance.

Fulgent Genetics
Classification: Uncertain significance for Autosomal recessive nonsyndromic hearing loss 7; Autosomal dominant nonsyndromic hearing loss 36. Last evaluated: 2021-12-28. Review status: criteria provided, single submitter. Criteria: ACMG Guidelines, 2015. Collection method: clinical testing. Allele origin: unknown.

Eurofins Ntd Llc (ga)
Classification: Uncertain significance. Last evaluated: 2016-06-07. Review status: criteria provided, single submitter. Criteria: EGL Classification Definitions 2015. Collection method: clinical testing. Allele origin: germline. Observed: 1 variant allele, 1 heterozygote.